The following is an entry in ClinVar:

NM_001395159.1(UNC79):c.7972G>A (p.Val2658Met)

Gene: UNC79 (unc-79 subunit of NALCN channel complex; plus strand). Cytogenetic location: 14q32.12.
Variant type: single nucleotide variant.
Coding change: c.7972G>A on transcript NM_001395159.1 (MANE Select); coding-DNA position 7972, G replaced by A.
Protein change: p.Val2658Met; replaces valine 2658 with methionine.
Molecular consequence: missense variant.
Genome position (GRCh38, 1-based): chr14:93,706,752, G>A. VCF-style: chr14-93706752-G-A. GRCh37 (hg19) VCF-style: chr14-94173098-G-A.
Other names: c.7906G>A, p.Val2636Met (NM_001346218.2); c.7225G>A, p.Val2409Met (NM_020818.5); short protein forms V2409M, V2636M, V2658M.
Identifiers: ClinVar variation 4280842 (VCV004280842.7).

ClinVar aggregate classification (germline): Likely benign (1 of 4 stars; one submission).

gnomAD v4.1: 1,319 of 1,614,206 alleles (0.082%); highest among the groups gnomAD compares: African/African-American, 1.3%; 9 homozygotes.

Submission:

CeGaT Center for Human Genetics Tuebingen
Classification: Likely benign. Last evaluated: 2026-03-01. Review status: criteria provided, single submitter. Criteria: CeGaT Center For Human Genetics Tuebingen Variant Classification Criteria Version 2. Collection method: clinical testing. Allele origin: germline. Affected: yes. Observed: 2 variant alleles.
Comment: UNC79: BS1